The following is an entry in ClinVar:

ClinVar aggregate classification (germline): Uncertain significance (1 of 4 stars; one submission).

Conditions:
STT3B-congenital disorder of glycosylation. Also called: STT3B-CDG; Congenital disorder of glycosylation type 1x; CDG Ix. Identifiers: Orphanet 370924, MedGen C2931007, MONDO:0014271, OMIM 615597.

gnomAD v4.1: 9 of 1,613,652 alleles (0.00056%); highest among the groups gnomAD compares: African/African-American, 0.0013%; no homozygotes.

Submission:

Labcorp Genetics (formerly Invitae), Labcorp
Classification: Uncertain significance for STT3B-congenital disorder of glycosylation. Last evaluated: 2025-02-24. Review status: criteria provided, single submitter. Criteria: Invitae Variant Classification Sherloc (09022015). Collection method: clinical testing. Allele origin: germline.
Comment: This sequence change replaces isoleucine, which is neutral and non-polar, with valine, which is neutral and non-polar, at codon 205 of the STT3B protein (p.Ile205Val). This variant is present in population databases (rs142677107, gnomAD 0.007%). This variant has not been reported in the literature in individuals affected with STT3B-related conditions. Invitae Evidence Modeling of protein sequence and biophysical properties (such as structural, functional, and spatial information, amino acid conservation, physicochemical variation, residue mobility, and thermodynamic stability) indicates that this missense variant is not expected to disrupt STT3B protein function with a negative predictive value of 80%. In summary, the available evidence is currently insufficient to determine the role of this variant in disease. Therefore, it has been classified as a Variant of Uncertain Significance.

NM_178862.3(STT3B):c.613A>G (p.Ile205Val)

Gene: STT3B (STT3 oligosaccharyltransferase complex catalytic subunit B; plus strand). Cytogenetic location: 3p23.
Variant type: single nucleotide variant.
Coding change: c.613A>G on transcript NM_178862.3 (MANE Select); coding-DNA position 613, A replaced by G.
Protein change: p.Ile205Val; replaces isoleucine 205 with valine.
Molecular consequence: missense variant.
Genome position (GRCh38, 1-based): chr3:31,579,998, A>G. VCF-style: chr3-31579998-A-G. GRCh37 (hg19) VCF-style: chr3-31621490-A-G.
Other names: short protein forms I205V.
Identifiers: ClinVar variation 3730719 (VCV003730719.2).